The following is an entry in ClinVar:

NM_015937.6(PIGT):c.1165G>A (p.Val389Ile)

Gene: PIGT (phosphatidylinositol glycan anchor biosynthesis class T; plus strand). Cytogenetic location: 20q13.12.
Variant type: single nucleotide variant.
Coding change: c.1165G>A on transcript NM_015937.6 (MANE Select); coding-DNA position 1165, G replaced by A.
Protein change: p.Val389Ile; replaces valine 389 with isoleucine.
Molecular consequence: missense variant. On other transcripts: non-coding transcript variant (5), intron variant (1).
Genome position (GRCh38, 1-based): chr20:45,421,514, G>A. VCF-style: chr20-45421514-G-A. GRCh37 (hg19) VCF-style: chr20-44050154-G-A.
Other names: c.997G>A, p.Val333Ile (NM_001184728.3); c.859G>A, p.Val287Ile (NM_001184730.3); c.1033+821G>A (NM_001184729.3); short protein forms V287I, V333I, V389I.
Identifiers: ClinVar variation 1700352 (VCV001700352.3), dbSNP rs770815793, ClinGen allele CA9878179.

ClinVar aggregate classification (germline): Uncertain significance (1 of 4 stars; one submission).

Allele frequency attached by ClinVar (database versions not stated): gnomAD exomes below 0.00001; ExAC 0.00001.

Submission:

GeneDx
Classification: Uncertain significance. Last evaluated: 2024-04-08. Review status: criteria provided, single submitter. Criteria: GeneDx Variant Classification Process June 2021. Collection method: clinical testing. Allele origin: germline. Affected: yes.
Comment: Not observed at significant frequency in large population cohorts (gnomAD); In silico analysis supports that this missense variant does not alter protein structure/function; Has not been previously published as pathogenic or benign to our knowledge